The following is an entry in ClinVar:

ClinVar aggregate classification (germline): Pathogenic/Likely pathogenic. Review status: criteria provided, multiple submitters, no conflicts (2 of 4 stars). 10 submissions from 10 submitters: Pathogenic (6); Likely pathogenic (4). Last evaluated 2026-01-26.

Conditions:
Wolfram-like syndrome. Also called: HEARING LOSS, PROGRESSIVE, WITH OPTIC ATROPHY AND/OR IMPAIRED GLUCOSE REGULATION. Identifiers: Orphanet 411590, MedGen C3280358, MONDO:0013673, OMIM 614296.
Monogenic hearing loss.
WFS1-related disorder. Identifiers: MedGen CN379391, MONDO:0700293.
Wolfram syndrome 1 (WFS1). Identifiers: Orphanet 3463, MedGen C4551693, MONDO:0009101, OMIM 222300.

Allele frequency attached by ClinVar (database versions not stated): ExAC 0.00003; gnomAD exomes 0.00003; TOPMed 0.00004.
gnomAD v4.1: 52 of 1,612,532 alleles (0.0032%); highest among the groups gnomAD compares: East Asian, 0.0089%; no homozygotes.

Submissions (10):

Medical and Scientific Branch, Hong Kong Genome Institute
Classification: Likely pathogenic for Wolfram syndrome 1. Last evaluated: 2026-01-26. Review status: criteria provided, single submitter. Criteria: ACMG Guidelines, 2015. Collection method: clinical testing. Allele origin: unknown. Affected: yes.

Labcorp Genetics (formerly Invitae), Labcorp
Classification: Pathogenic. Last evaluated: 2026-01-02. Review status: criteria provided, single submitter. Criteria: Invitae Variant Classification Sherloc (09022015). Collection method: clinical testing. Allele origin: germline.
Comment: This sequence change replaces glycine, which is neutral and non-polar, with serine, which is neutral and polar, at codon 736 of the WFS1 protein (p.Gly736Ser). This variant is present in population databases (rs71532864, gnomAD 0.006%). This missense change has been observed in individuals with autosomal recessive Wolfram syndrome (PMID: 8808601, 10521293, 32179840). It has also been observed to segregate with disease in related individuals. ClinVar contains an entry for this variant (Variation ID: 1328696). Invitae Evidence Modeling of protein sequence and biophysical properties (such as structural, functional, and spatial information, amino acid conservation, physicochemical variation, residue mobility, and thermodynamic stability) indicates that this missense variant is expected to disrupt WFS1 protein function with a positive predictive value of 80%. This variant disrupts the p.Gly736 amino acid residue in WFS1. Other variant(s) that disrupt this residue have been determined to be pathogenic (PMID: 15151504). This suggests that this residue is clinically significant, and that variants that disrupt this residue are likely to be disease-causing. For these reasons, this variant has been classified as Pathogenic.

Genetics Laboratory, Great Ormond Street Hospital NHS Foundation Trust, North Thames Genomic Laboratory Hub
Classification: Likely pathogenic for Monogenic hearing loss. Last evaluated: 2025-08-19. Review status: criteria provided, single submitter. Criteria: ACGS Best Practice Guidelines for Variant Classification in Rare Disease 2024 v1.2. Collection method: clinical testing. Allele origin: germline. Affected: yes.
Comment: PM2_moderate, PP3_supporting, PM3_strong

Variantyx, Inc.
Classification: Likely pathogenic for Wolfram syndrome 1. Last evaluated: 2025-03-20. Review status: criteria provided, single submitter. Criteria: Variantyx Assertion Criteria 2022. Collection method: clinical testing. Allele origin: paternal. Inheritance: Autosomal recessive inheritance.
Comment: This is a nonsynonymous variant in the WFS1 gene (OMIM: 606201). Pathogenic variants in this gene have been associated with autosomal recessive Wolfram syndrome 1. Functional studies have shown that this variant alters WFS1 protein function (PMID: 32179840) (PS3). Multiple computational algorithms predict a deleterious effect for this variant (REVEL score: 0.968) (PP3). This variant has a 0.0089% maximum allele frequency in non-founder control populations (PM2). Based on the current evidence, this variant is classified as likely pathogenic for autosomal recessive Wolfram syndrome 1.

Dasa
Classification: Pathogenic. Last evaluated: 2024-06-28. Review status: criteria provided, single submitter. Criteria: DASA Assertion Criteria. Collection method: clinical testing. Allele origin: germline.
Comment: NM_006005.3(WFS1):c.2206G>A (p.Gly736Ser) is a missense variant that results in the substitution of glycine with serine. This variant has been recurrently observed in individuals with related phenotype (PMID: 32419160; PMID: 10521293; PMID: 32179840). Multiple computational predictions support a deleterious effect on the gene or gene product. The variant is present at low frequency in population datasets. Based on the available data, this variant is classified as pathogenic.

GeneDx
Classification: Likely pathogenic. Last evaluated: 2024-06-02. Review status: criteria provided, single submitter. Criteria: GeneDx Variant Classification Process June 2021. Collection method: clinical testing. Allele origin: germline. Affected: yes.
Comment: In silico analysis supports that this missense variant has a deleterious effect on protein structure/function; This variant is associated with the following publications: (PMID: 31264968, 15473915, 15605410, 32179840, 37185285, 37931151, Abali2023[article], 33841295, 8808601, 38162681, 35452662, 37383390, 36964972, 37444722, 10521293)

Blueprint Genetics
Classification: Pathogenic for WFS1-related disorders. Last evaluated: 2023-10-17. Review status: criteria provided, single submitter. Criteria: ACMG Guidelines, 2015. Collection method: clinical testing. Allele origin: germline. Affected: yes. Observed: 5 variant alleles.

Department Of Endocrinology, Sanjay Gandhi Postgraduate Institute Of Medical Sciences
Classification: Pathogenic for Wolfram syndrome 1. Last evaluated: 2023-08-15. Review status: criteria provided, single submitter. Criteria: ACMG Guidelines, 2015. Collection method: research. Allele origin: maternal. Inheritance: Autosomal recessive inheritance. Affected: yes. Observed: 1 compound heterozygote.
Comment: Missense variation in exon 8 of the WFS1 gene (chr4:g.6302001G>A) which replaces glycine, which is neutral and non-polar, with serine, which is neutral and polar, at codon 736 of the WFS1 protein (p.Gly736Ser). The observed variation has previously been reported in patients affected with Wolfram syndrome (PMID: 10521293, 31264968, 15605410, 32179840). This variant is present in population databases (rs71532864, gnomAD 0.006%). ClinVar contains an entry for this variant (Variation ID: 1328696). The in-silico predictions of the variant are probably damaging by PolyPhen-2 (HumDiv), damaging by SIFT, LRT and MutationTaster2. The reference codon is conserved across species. PS1, PM1, PM2, PM3, PM5, PP3.

Laboratoire de Génétique Moléculaire, CHU Bordeaux
Classification: Pathogenic for Wolfram-like syndrome. Last evaluated: 2023-06-27. Review status: criteria provided, single submitter. Criteria: ACMG Guidelines, 2015. Collection method: clinical testing. Allele origin: germline. Affected: yes.

Biomedical Genomics and Oncogenetics Laboratory, Institut Pasteur de Tunis, University Tunis El Manar
Classification: Pathogenic. Last evaluated: 2022-08-21. Review status: criteria provided, single submitter. Criteria: ACMG Guidelines, 2015. Collection method: research. Allele origin: germline. Affected: yes. Observed: 2 variant alleles.

Literature cited by the submitters: PubMed 8808601 (cited by Labcorp Genetics (formerly Invitae), Labcorp and Biomedical Genomics and Oncogenetics Laboratory, Institut Pasteur de Tunis, University Tunis El Manar); PubMed 10521293 (cited by 4 submitters); PubMed 32179840 (cited by 4 submitters); PubMed 15151504 (cited by Labcorp Genetics (formerly Invitae), Labcorp); PubMed 25173644 (cited by Variantyx, Inc.); PubMed 32419160 (cited by Dasa); PubMed 31264968 (cited by Department Of Endocrinology, Sanjay Gandhi Postgraduate Institute Of Medical Sciences); PubMed 15605410 (cited by Department Of Endocrinology, Sanjay Gandhi Postgraduate Institute Of Medical Sciences).

NM_006005.3(WFS1):c.2206G>A (p.Gly736Ser)

Gene: WFS1 (wolframin ER transmembrane glycoprotein; plus strand). Cytogenetic location: 4p16.1.
Variant type: single nucleotide variant.
Coding change: c.2206G>A on transcript NM_006005.3 (MANE Select); coding-DNA position 2206, G replaced by A.
Protein change: p.Gly736Ser; replaces glycine 736 with serine.
Molecular consequence: missense variant.
Genome position (GRCh38, 1-based): chr4:6,302,001, G>A. VCF-style: chr4-6302001-G-A. GRCh37 (hg19) VCF-style: chr4-6303728-G-A.
Other names: NG_011700.1:g.37152G>A; NP_005996.2:p.(Gly736Ser); c.2206G>A, p.Gly736Ser (NM_001145853.1); short protein forms G736S.
Identifiers: ClinVar variation 1328696 (VCV001328696.19), dbSNP rs71532864, ClinGen allele CA2839644.